The following is an entry in ClinVar:

ClinVar aggregate classification (germline): Uncertain significance. Review status: criteria provided, multiple submitters, no conflicts (2 of 4 stars). 3 submissions from 3 submitters: Uncertain significance (3). Last evaluated 2026-02-02.

Conditions:
IRF2BP2-related disorder. Also called: IRF2BP2-related condition.

Allele frequency attached by ClinVar (database versions not stated): TOPMed 0.00002; gnomAD 0.00004; gnomAD exomes 0.00011; 1000 Genomes Project 30x 0.00031.

Submissions (3):

Labcorp Genetics (formerly Invitae), Labcorp
Classification: Uncertain significance. Last evaluated: 2026-02-02. Review status: criteria provided, single submitter. Criteria: Invitae Variant Classification Sherloc (09022015). Collection method: clinical testing. Allele origin: germline.
Comment: This sequence change replaces proline, which is neutral and non-polar, with leucine, which is neutral and non-polar, at codon 83 of the IRF2BP2 protein (p.Pro83Leu). This variant is present in population databases (no rsID available, gnomAD 0.006%). This variant has not been reported in the literature in individuals affected with IRF2BP2-related conditions. ClinVar contains an entry for this variant (Variation ID: 1518925). An algorithm developed to predict the effect of missense changes on protein structure and function (PolyPhen-2) suggests that this variant is likely to be disruptive. In summary, the available evidence is currently insufficient to determine the role of this variant in disease. Therefore, it has been classified as a Variant of Uncertain Significance.

PreventionGenetics, part of Exact Sciences
Classification: Uncertain significance for IRF2BP2-related condition. Last evaluated: 2025-05-08. Review status: criteria provided, single submitter. Criteria: ACMG Guidelines, 2015. Collection method: clinical testing. Allele origin: germline.
Comment: The IRF2BP2 c.248C>T variant is predicted to result in the amino acid substitution p.Pro83Leu. To our knowledge, this variant has not been reported in the literature. This variant is reported in 0.0059% of alleles in individuals of European (Non-Finnish) descent in gnomAD. At this time, the clinical significance of this variant is uncertain due to the absence of conclusive functional and genetic evidence.

Ambry Genetics
Classification: Uncertain significance. Last evaluated: 2024-10-07. Review status: criteria provided, single submitter. Criteria: Ambry Variant Classification Scheme 2023. Collection method: clinical testing. Allele origin: germline.

NM_182972.3(IRF2BP2):c.248C>T (p.Pro83Leu)

Genes: IRF2BP2 (interferon regulatory factor 2 binding protein 2; minus strand), LOC129932812 (ATAC-STARR-seq lymphoblastoid silent region 1977; plus strand). Cytogenetic location: 1q42.3.
Variant type: single nucleotide variant.
Coding change: c.248C>T on transcript NM_182972.3 (MANE Select); coding-DNA position 248, C replaced by T.
Protein change: p.Pro83Leu; replaces proline 83 with leucine.
Molecular consequence: missense variant.
Genome position (GRCh38, 1-based): chr1:234,609,247, G>A on the plus strand (C>T on the coding strand, the complement: IRF2BP2 is on the minus strand). VCF-style: chr1-234609247-G-A. GRCh37 (hg19) VCF-style: chr1-234744993-G-A.
Other names: c.248C>T, p.Pro83Leu (NM_001077397.1); c.248C>T (NM_182972.2); short protein forms P83L.
Identifiers: ClinVar variation 1518925 (VCV001518925.8), dbSNP rs867716018, ClinGen allele CA39546887.